The following is an entry in ClinVar:

ClinVar aggregate classification (germline): Uncertain significance (1 of 4 stars; one submission).

Conditions:
DICER1-related tumor predisposition. Also called: DICER1-related pleuropulmonary blastoma cancer predisposition syndrome; DICER1 syndrome. Identifiers: Orphanet 284343, MedGen C3839822, MONDO:0100216.

Allele frequency attached by ClinVar (database versions not stated): gnomAD exomes below 0.00001.
gnomAD v4.1: 1 of 1,613,170 alleles (0.000062%); highest among the groups gnomAD compares: Non-Finnish European, 0.000085%; no homozygotes.

Submission:

Labcorp Genetics (formerly Invitae), Labcorp
Classification: Uncertain significance for DICER1-related tumor predisposition. Last evaluated: 2025-09-10. Review status: criteria provided, single submitter. Criteria: Invitae Variant Classification Sherloc (09022015). Collection method: clinical testing. Allele origin: germline.
Comment: This sequence change replaces isoleucine, which is neutral and non-polar, with leucine, which is neutral and non-polar, at codon 1450 of the DICER1 protein (p.Ile1450Leu). This variant is present in population databases (no rsID available, gnomAD 0.0009%). This variant has not been reported in the literature in individuals affected with DICER1-related conditions. ClinVar contains an entry for this variant (Variation ID: 1424098). Invitae Evidence Modeling of protein sequence and biophysical properties (such as structural, functional, and spatial information, amino acid conservation, physicochemical variation, residue mobility, and thermodynamic stability) indicates that this missense variant is not expected to disrupt DICER1 protein function with a negative predictive value of 95%. In summary, the available evidence is currently insufficient to determine the role of this variant in disease. Therefore, it has been classified as a Variant of Uncertain Significance.

NM_177438.3(DICER1):c.4348A>C (p.Ile1450Leu)

Gene: DICER1 (dicer 1, ribonuclease III; minus strand). Cytogenetic location: 14q32.13.
Variant type: single nucleotide variant.
Coding change: c.4348A>C on transcript NM_177438.3 (MANE Select); coding-DNA position 4348, A replaced by C.
Protein change: p.Ile1450Leu; replaces isoleucine 1450 with leucine.
Molecular consequence: missense variant.
Genome position (GRCh38, 1-based): chr14:95,096,572, T>G on the plus strand (A>C on the coding strand, the complement: DICER1 is on the minus strand). VCF-style: chr14-95096572-T-G. GRCh37 (hg19) VCF-style: chr14-95562909-T-G.
Other names: c.4348A>C, p.Ile1450Leu (NM_001195573.1, NM_001271282.3, NM_001291628.2 and 1 more transcripts); short protein forms I1450L.
Identifiers: ClinVar variation 1424098 (VCV001424098.7), dbSNP rs1430019327, ClinGen allele CA390869191.
Genomic context (GRCh38, chr14:95,096,572, plus strand): 5'-AAAGAGAGATTTTCTTTACAAAAGCTCCTGACCCCATTAACATATTATCTATAAATCTGA[T>G]ATGTTCCTGATCATACTCCAGGAAATCATCTTCATAGTCAGCCTCTTCCTTCGGAGCCCT-3'
Protein context (NP_803187.1, residues 1440-1460): DDFLEYDQEH[Ile1450Leu]RFIDNMLMGS